The following is an entry in ClinVar:

NM_018026.4(PACS1):c.2566G>T (p.Val856Leu)

Gene: PACS1 (phosphofurin acidic cluster sorting protein 1; plus strand). Cytogenetic location: 11q13.2.
Variant type: single nucleotide variant.
Coding change: c.2566G>T on transcript NM_018026.4 (MANE Select); coding-DNA position 2566, G replaced by T.
Protein change: p.Val856Leu; replaces valine 856 with leucine.
Molecular consequence: missense variant.
Genome position (GRCh38, 1-based): chr11:66,241,563, G>T. VCF-style: chr11-66241563-G-T. GRCh37 (hg19) VCF-style: chr11-66009034-G-T.
Other names: short protein forms V856L.
Identifiers: ClinVar variation 3368889 (VCV003368889.2).

ClinVar aggregate classification (germline): Uncertain significance (1 of 4 stars; one submission).

gnomAD v4.1: 1 of 1,614,138 alleles (0.000062%); highest among the groups gnomAD compares: Non-Finnish European, 0.000085%; no homozygotes.

Submission:

GeneDx
Classification: Uncertain significance. Last evaluated: 2025-01-29. Review status: criteria provided, single submitter. Criteria: GeneDx Variant Classification Process June 2021. Collection method: clinical testing. Allele origin: germline.
Comment: In silico analysis supports that this missense variant does not alter protein structure/function; In silico analysis suggests this variant may impact gene splicing. In the absence of RNA/functional studies, the actual effect of this sequence change is unknown.; Has not been previously published as pathogenic or benign to our knowledge